The following is an entry in ClinVar:

NM_003835.4(RGS9):c.1172C>A (p.Ala391Glu)

Gene: RGS9 (regulator of G protein signaling 9; plus strand). Cytogenetic location: 17q24.1.
Variant type: single nucleotide variant.
Coding change: c.1172C>A on transcript NM_003835.4 (MANE Select); coding-DNA position 1172, C replaced by A.
Protein change: p.Ala391Glu; replaces alanine 391 with glutamic acid.
Molecular consequence: missense variant.
Genome position (GRCh38, 1-based): chr17:65,204,270, C>A. VCF-style: chr17-65204270-C-A. GRCh37 (hg19) VCF-style: chr17-63200388-C-A.
Other names: c.1163C>A, p.Ala388Glu (NM_001081955.3, NM_001165933.2); short protein forms A388E, A391E.
Identifiers: ClinVar variation 1014598 (VCV001014598.8), dbSNP rs1912963654, ClinGen allele CA400670392.

ClinVar aggregate classification (germline): Uncertain significance (1 of 4 stars; one submission).

Submission:

Labcorp Genetics (formerly Invitae), Labcorp
Classification: Uncertain significance. Last evaluated: 2020-03-14. Review status: criteria provided, single submitter. Criteria: Invitae Variant Classification Sherloc (09022015). Collection method: clinical testing. Allele origin: germline.
Comment: This variant has not been reported in the literature in individuals with RGS9-related conditions. In summary, the available evidence is currently insufficient to determine the role of this variant in disease. Therefore, it has been classified as a Variant of Uncertain Significance. Algorithms developed to predict the effect of missense changes on protein structure and function (SIFT, PolyPhen-2, Align-GVGD) all suggest that this variant is likely to be disruptive, but these predictions have not been confirmed by published functional studies and their clinical significance is uncertain. This variant is not present in population databases (ExAC no frequency). This sequence change replaces alanine with glutamic acid at codon 391 of the RGS9 protein (p.Ala391Glu). The alanine residue is highly conserved and there is a moderate physicochemical difference between alanine and glutamic acid.